The following is an entry in ClinVar:

NM_002381.5(MATN3):c.1309C>T (p.Arg437Ter)

Genes: MATN3 (matrilin 3; minus strand), WDR35-DT (WDR35 divergent transcript; plus strand). Cytogenetic location: 2p24.1.
Variant type: single nucleotide variant.
Coding change: c.1309C>T on transcript NM_002381.5 (MANE Select); coding-DNA position 1309, C replaced by T.
Protein change: p.Arg437Ter; replaces arginine 437 with a stop codon.
Molecular consequence: nonsense.
Genome position (GRCh38, 1-based): chr2:19,994,395, G>A on the plus strand (C>T on the coding strand, the complement: MATN3 is on the minus strand). VCF-style: chr2-19994395-G-A. GRCh37 (hg19) VCF-style: chr2-20194156-G-A.
Other names: short protein forms R437*.
Identifiers: ClinVar variation 3021712 (VCV003021712.3), dbSNP rs755049041, ClinGen allele CA1543735.

ClinVar aggregate classification (germline): Uncertain significance (1 of 4 stars; one submission).

Allele frequency attached by ClinVar (database versions not stated): gnomAD 0.00001; ExAC 0.00004; TOPMed 0.00005.
gnomAD v4.1: 25 of 1,607,954 alleles (0.0016%); highest among the groups gnomAD compares: African/African-American, 0.0067%; no homozygotes.

Submission:

Labcorp Genetics (formerly Invitae), Labcorp
Classification: Uncertain significance. Last evaluated: 2025-12-01. Review status: criteria provided, single submitter. Criteria: Invitae Variant Classification Sherloc (09022015). Collection method: clinical testing. Allele origin: germline.
Comment: This sequence change creates a premature translational stop signal (p.Arg437*) in the MATN3 gene. It is expected to result in an absent or disrupted protein product. However, the current clinical and genetic evidence is not sufficient to establish whether loss-of-function variants in MATN3 cause disease. This variant is present in population databases (rs755049041, gnomAD 0.004%). This variant has not been reported in the literature in individuals affected with MATN3-related conditions. ClinVar contains an entry for this variant (Variation ID: 3021712). In summary, the available evidence is currently insufficient to determine the role of this variant in disease. Therefore, it has been classified as a Variant of Uncertain Significance.